The following is an entry in ClinVar:

NM_001159773.2(CANT1):c.643G>T (p.Glu215Ter)

Gene: CANT1 (calcium activated nucleotidase 1; minus strand). Cytogenetic location: 17q25.3.
Variant type: single nucleotide variant.
Coding change: c.643G>T on transcript NM_001159773.2 (MANE Select); coding-DNA position 643, G replaced by T.
Protein change: p.Glu215Ter; replaces glutamic acid 215 with a stop codon.
Molecular consequence: nonsense.
Genome position (GRCh38, 1-based): chr17:78,995,210, C>A on the plus strand (G>T on the coding strand, the complement: CANT1 is on the minus strand). VCF-style: chr17-78995210-C-A. GRCh37 (hg19) VCF-style: chr17-76991292-C-A.
Other names: c.643G>T, p.Glu215Ter (NM_001159772.2, NM_138793.4); short protein forms E215*.
Identifiers: ClinVar variation 631792 (VCV000631792.8), dbSNP rs773215035, ClinGen allele CA401307383.

ClinVar aggregate classification (germline): Pathogenic. Review status: criteria provided, multiple submitters, no conflicts (2 of 4 stars). 2 submissions from 2 submitters: Pathogenic (2). Last evaluated 2026-06-17.

Conditions:
Fetal anomalies with a likely genetic cause.

Allele frequency attached by ClinVar (database versions not stated): gnomAD 0.00001.
gnomAD v4.1: 3 of 1,613,298 alleles (0.00019%); highest among the groups gnomAD compares: South Asian, 0.0022%; no homozygotes.

Submissions (2):

Genetics Laboratory, Great Ormond Street Hospital NHS Foundation Trust, North Thames Genomic Laboratory Hub
Classification: Pathogenic for Fetal anomalies with a likely genetic cause. Last evaluated: 2026-06-17. Review status: criteria provided, single submitter. Criteria: ACGS Best Practice Guidelines for Variant Classification in Rare Disease 2024 v1.2. Collection method: clinical testing. Allele origin: germline. Affected: yes.
Comment: PM2_moderate, PVS1_very-strong

Labcorp Genetics (formerly Invitae), Labcorp
Classification: Pathogenic. Last evaluated: 2023-03-29. Review status: criteria provided, single submitter. Criteria: Invitae Variant Classification Sherloc (09022015). Collection method: clinical testing. Allele origin: germline.
Comment: For these reasons, this variant has been classified as Pathogenic. ClinVar contains an entry for this variant (Variation ID: 631792). This premature translational stop signal has been observed in individual(s) with CANT1-related conditions (PMID: 31587486). This variant is not present in population databases (gnomAD no frequency). This sequence change creates a premature translational stop signal (p.Glu215*) in the CANT1 gene. It is expected to result in an absent or disrupted protein product. Loss-of-function variants in CANT1 are known to be pathogenic (PMID: 19853239, 21037275, 22539336).

Literature cited by the submitters: PubMed 31587486 (cited by Labcorp Genetics (formerly Invitae), Labcorp); PubMed 19853239 (cited by Labcorp Genetics (formerly Invitae), Labcorp); PubMed 21037275 (cited by Labcorp Genetics (formerly Invitae), Labcorp); PubMed 22539336 (cited by Labcorp Genetics (formerly Invitae), Labcorp).